The following is an entry in ClinVar:

NM_000293.3(PHKB):c.2977C>A (p.Pro993Thr)

Gene: PHKB (phosphorylase kinase regulatory subunit beta; plus strand). Cytogenetic location: 16q12.1.
Variant type: single nucleotide variant.
Coding change: c.2977C>A on transcript NM_000293.3 (MANE Select); coding-DNA position 2977, C replaced by A.
Protein change: p.Pro993Thr; replaces proline 993 with threonine.
Molecular consequence: missense variant.
Genome position (GRCh38, 1-based): chr16:47,696,462, C>A. VCF-style: chr16-47696462-C-A. GRCh37 (hg19) VCF-style: chr16-47730373-C-A.
Other names: c.2956C>A, p.Pro986Thr (NM_001031835.3); c.2977C>A, p.Pro993Thr (NM_001363837.1); short protein forms P986T, P993T.
Identifiers: ClinVar variation 2023921 (VCV002023921.4), dbSNP rs2506732071, ClinGen allele CA396101166.
Genomic context (GRCh38, chr16:47,696,462, plus strand): 5'-ACCATGTATGAGATGAATTTCTCTCTCCTTGTTGAAGACACGTTGGGAAATATTGACCAG[C>A]CACAGTACAGACAGATCGTTGTAGAGGTGAGTAGTAAGAAATGAAGATTGCTGAATAAAT-3'
Protein context (NP_000284.1, residues 983-1003): VEDTLGNIDQ[Pro993Thr]QYRQIVVELL

ClinVar aggregate classification (germline): Uncertain significance (1 of 4 stars; one submission).

Conditions:
Glycogen storage disease IXb (GSD9B). Also called: PHOSPHORYLASE KINASE DEFICIENCY OF LIVER AND MUSCLE, AUTOSOMAL RECESSIVE; GLYCOGENOSIS OF LIVER AND MUSCLE, AUTOSOMAL RECESSIVE; GSD IXb. Identifiers: Orphanet 79240, MedGen C0543514, MONDO:0009868, OMIM 261750.

Allele frequency attached by ClinVar (database versions not stated): gnomAD exomes below 0.00001.
gnomAD v4.1: 1 of 1,595,830 alleles (0.000063%); highest among the groups gnomAD compares: Non-Finnish European, 0.000086%; no homozygotes.

Submission:

Labcorp Genetics (formerly Invitae), Labcorp
Classification: Uncertain significance for Glycogen storage disease IXb. Last evaluated: 2022-08-12. Review status: criteria provided, single submitter. Criteria: Invitae Variant Classification Sherloc (09022015). Collection method: clinical testing. Allele origin: germline.
Comment: In summary, the available evidence is currently insufficient to determine the role of this variant in disease. Therefore, it has been classified as a Variant of Uncertain Significance. Algorithms developed to predict the effect of missense changes on protein structure and function are either unavailable or do not agree on the potential impact of this missense change (SIFT: "Deleterious"; PolyPhen-2: "Probably Damaging"; Align-GVGD: "Class C0"). This variant has not been reported in the literature in individuals affected with PHKB-related conditions. This variant is not present in population databases (gnomAD no frequency). This sequence change replaces proline, which is neutral and non-polar, with threonine, which is neutral and polar, at codon 993 of the PHKB protein (p.Pro993Thr).